The following is an entry in ClinVar:

ClinVar aggregate classification (germline): Uncertain significance. Review status: criteria provided, multiple submitters, no conflicts (2 of 4 stars). 2 submissions from 2 submitters: Uncertain significance (2). Last evaluated 2022-09-22.

Submissions (2):

Illumina Laboratory Services, Illumina
Classification: Uncertain significance. Last evaluated: 2022-09-22. Review status: criteria provided, single submitter. Criteria: ICSL CNVClassificationCriteria Aug2020. Collection method: clinical testing. Allele origin: unknown. Affected: yes.
Comment: The MAP1B c.4003C>A (p.Pro1335Thr) missense variant results in the substitution of proline at amino acid position 1335 with threonine. To our knowledge, this variant has not been reported in the peer-reviewed literature. This variant is not found in version 2.1.1 or version 3.1.2 of the Genome Aggregation Database. Based on the available evidence, the c.4003C>A (p.Pro1335Thr) variant is classified as a variant of uncertain significance for periventricular nodular heterotopia.

GeneDx
Classification: Uncertain significance. Last evaluated: 2022-04-26. Review status: criteria provided, single submitter. Criteria: GeneDx Variant Classification Process June 2021. Collection method: clinical testing. Allele origin: germline. Affected: yes.
Comment: Not observed at significant frequency in large population cohorts (gnomAD); In silico analysis supports that this missense variant has a deleterious effect on protein structure/function; Has not been previously published as pathogenic or benign to our knowledge

NM_005909.5(MAP1B):c.4003C>A (p.Pro1335Thr)

Gene: MAP1B (microtubule associated protein 1B; plus strand). Cytogenetic location: 5q13.2.
Variant type: single nucleotide variant.
Coding change: c.4003C>A on transcript NM_005909.5 (MANE Select); coding-DNA position 4003, C replaced by A.
Protein change: p.Pro1335Thr; replaces proline 1335 with threonine.
Molecular consequence: missense variant.
Genome position (GRCh38, 1-based): chr5:72,197,358, C>A. VCF-style: chr5-72197358-C-A. GRCh37 (hg19) VCF-style: chr5-71493185-C-A.
Other names: c.3625C>A, p.Pro1209Thr (NM_001324255.2); short protein forms P1209T, P1335T.
Identifiers: ClinVar variation 1712806 (VCV001712806.4), dbSNP rs2478577905, ClinGen allele CA360013629.